The following is an entry in ClinVar:

ClinVar aggregate classification (germline): Uncertain significance (1 of 4 stars; one submission).

Submission:

CeGaT Center for Human Genetics Tuebingen
Classification: Uncertain significance. Last evaluated: 2022-11-01. Review status: criteria provided, single submitter. Criteria: CeGaT Center For Human Genetics Tuebingen Variant Classification Criteria Version 2. Collection method: clinical testing. Allele origin: germline. Affected: yes. Observed: 1 variant allele.
Comment: NFATC1: PM2, BP4

NM_001278669.2(NFATC1):c.186C>G (p.His62Gln)

Gene: NFATC1 (nuclear factor of activated T cells 1; plus strand). Cytogenetic location: 18q23.
Variant type: single nucleotide variant.
Coding change: c.186C>G on transcript NM_001278669.2 (MANE Select); coding-DNA position 186, C replaced by G.
Protein change: p.His62Gln; replaces histidine 62 with glutamine.
Molecular consequence: missense variant. On other transcripts: intron variant (2).
Genome position (GRCh38, 1-based): chr18:79,410,461, C>G. VCF-style: chr18-79410461-C-G. GRCh37 (hg19) VCF-style: chr18-77170461-C-G.
Other names: c.186C>G, p.His62Gln (NM_001278670.2, NM_006162.5, NM_172390.3); c.147C>G, p.His49Gln (NM_001278672.2, NM_001278675.2, NM_172387.3 and 1 more transcripts); c.-191+14110C>G (NM_172388.3); c.-191+9982C>G (NM_001278673.2); short protein forms H49Q, H62Q.
Identifiers: ClinVar variation 2648827 (VCV002648827.24), dbSNP rs2517412592, ClinGen allele CA402825958.